The following is an entry in ClinVar:

ClinVar aggregate classification (germline): Uncertain significance. Review status: criteria provided, single submitter (1 of 4 stars). 2 submissions from 2 submitters: Uncertain significance (1). 1 of the submissions does not count toward it. Last evaluated 2023-08-04.

Conditions:
HEPACAM-related disorder. Also called: HEPACAM-related condition.

Allele frequency attached by ClinVar (database versions not stated): gnomAD 0.00001; gnomAD exomes 0.00001; TOPMed 0.00002.
gnomAD v4.1: 10 of 1,270,512 alleles (0.00079%); highest among the groups gnomAD compares: Non-Finnish European, 0.00079%; no homozygotes.

Submissions (2):

Labcorp Genetics (formerly Invitae), Labcorp
Classification: Uncertain significance. Last evaluated: 2023-08-04. Review status: criteria provided, single submitter. Criteria: Invitae Variant Classification Sherloc (09022015). Collection method: clinical testing. Allele origin: germline.
Comment: This sequence change replaces proline, which is neutral and non-polar, with threonine, which is neutral and polar, at codon 325 of the HEPACAM protein (p.Pro325Thr). In summary, the available evidence is currently insufficient to determine the role of this variant in disease. Therefore, it has been classified as a Variant of Uncertain Significance. Advanced modeling of protein sequence and biophysical properties (such as structural, functional, and spatial information, amino acid conservation, physicochemical variation, residue mobility, and thermodynamic stability) performed at Invitae indicates that this missense variant is not expected to disrupt HEPACAM protein function. ClinVar contains an entry for this variant (Variation ID: 1506809). This variant has not been reported in the literature in individuals affected with HEPACAM-related conditions. This variant is present in population databases (no rsID available, gnomAD 0.03%).

PreventionGenetics, part of Exact Sciences
Classification: Uncertain significance for HEPACAM-related condition. Last evaluated: 2024-02-15. Review status: no assertion criteria provided. Collection method: clinical testing. Allele origin: germline. Not counted in ClinVar's aggregate classification.
Comment: The HEPACAM c.973C>A variant is predicted to result in the amino acid substitution p.Pro325Thr. To our knowledge, this variant has not been reported in the literature. This variant is reported in a single heterozygous individual of unspecified descent in the gnomAD population database, indicating it is rare. At this time, the clinical significance of this variant is uncertain due to the absence of conclusive functional and genetic evidence.

NM_152722.5(HEPACAM):c.973C>A (p.Pro325Thr)

Gene: HEPACAM (hepatic and glial cell adhesion molecule; minus strand). Cytogenetic location: 11q24.2.
Variant type: single nucleotide variant.
Coding change: c.973C>A on transcript NM_152722.5 (MANE Select); coding-DNA position 973, C replaced by A.
Protein change: p.Pro325Thr; replaces proline 325 with threonine.
Molecular consequence: missense variant.
Genome position (GRCh38, 1-based): chr11:124,921,416, G>T on the plus strand (C>A on the coding strand, the complement: HEPACAM is on the minus strand). VCF-style: chr11-124921416-G-T. GRCh37 (hg19) VCF-style: chr11-124791312-G-T.
Other names: c.973C>A (NM_152722.4); short protein forms P325T.
Identifiers: ClinVar variation 1506809 (VCV001506809.10), dbSNP rs1028072102, ClinGen allele CA230384197.